The following is an entry in ClinVar:

ClinVar aggregate classification (germline): Conflicting classifications of pathogenicity. Review status: criteria provided, conflicting classifications (1 of 4 stars). 3 submissions from 3 submitters: Uncertain significance (1); Likely benign (2). Last evaluated 2025-07-30.

Conditions:
Mitochondrial complex II deficiency, nuclear type 1. Also called: SUCCINATE CoQ REDUCTASE DEFICIENCY. Identifiers: Orphanet 3208, MedGen C5700310, MONDO:0100294, OMIM 252011.
Pheochromocytoma/paraganglioma syndrome 5. Also called: Paragangliomas 5; SDHA-Related Hereditary Paraganglioma-Pheochromocytoma Syndrome. Identifiers: Orphanet 29072, MedGen C3279992, MONDO:0013602, OMIM 614165.
Hereditary cancer-predisposing syndrome. Also called: Neoplastic Syndromes, Hereditary; Hereditary Cancer Syndrome; Hereditary neoplastic syndrome; Tumor predisposition. Identifiers: Orphanet 140162, MedGen C0027672, MeSH D009386, MONDO:0015356.

Submissions (3):

Labcorp Genetics (formerly Invitae), Labcorp
Classification: Uncertain significance for Pheochromocytoma/paraganglioma syndrome 5; Mitochondrial complex II deficiency, nuclear type 1. Last evaluated: 2025-07-30. Review status: criteria provided, single submitter. Criteria: Invitae Variant Classification Sherloc (09022015). Collection method: clinical testing. Allele origin: germline.
Comment: This sequence change falls in intron 8 of the SDHA gene. It does not directly change the encoded amino acid sequence of the SDHA protein. It affects a nucleotide within the consensus splice site. This variant is not present in population databases (gnomAD no frequency). This variant has not been reported in the literature in individuals affected with SDHA-related conditions. ClinVar contains an entry for this variant (Variation ID: 486401). Variants that disrupt the consensus splice site are a relatively common cause of aberrant splicing (PMID: 17576681, 9536098). Algorithms developed to predict the effect of sequence changes on RNA splicing suggest that this variant is not likely to affect RNA splicing. In summary, the available evidence is currently insufficient to determine the role of this variant in disease. Therefore, it has been classified as a Variant of Uncertain Significance.

Myriad Genetics, Inc.
Classification: Likely benign for Pheochromocytoma/paraganglioma syndrome 5. Last evaluated: 2025-03-07. Review status: criteria provided, single submitter. Criteria: Myriad Autosomal Dominant, Autosomal Recessive and X-Linked Classification Criteria (2023). Collection method: clinical testing. Allele origin: unknown.
Comment: This variant is considered likely benign. This variant is intronic and is not expected to impact mRNA splicing.

Ambry Genetics
Classification: Likely benign for Hereditary cancer-predisposing syndrome. Last evaluated: 2022-10-24. Review status: criteria provided, single submitter. Criteria: Ambry Variant Classification Scheme 2023. Collection method: clinical testing. Allele origin: germline.

Literature cited by the submitters: PubMed 17576681 (cited by Labcorp Genetics (formerly Invitae), Labcorp); PubMed 9536098 (cited by Labcorp Genetics (formerly Invitae), Labcorp).

NM_004168.4(SDHA):c.1064+3G>A

Gene: SDHA (succinate dehydrogenase complex flavoprotein subunit A; plus strand). Cytogenetic location: 5p15.33.
Variant type: single nucleotide variant.
Coding change: c.1064+3G>A on transcript NM_004168.4 (MANE Select); 3 bases into the intron after coding-DNA position 1064, G replaced by A.
Molecular consequence: intron variant.
Genome position (GRCh38, 1-based): chr5:233,648, G>A. VCF-style: chr5-233648-G-A. GRCh37 (hg19) VCF-style: chr5-233763-G-A.
Other names: c.1064+3G>A (NM_001330758.2); c.920+3G>A (NM_001294332.2).
Identifiers: ClinVar variation 486401 (VCV000486401.14), dbSNP rs1553999078, ClinGen allele CA658657424.